The following is an entry in ClinVar:

ClinVar aggregate classification (germline): Uncertain significance. Review status: criteria provided, multiple submitters, no conflicts (2 of 4 stars). 2 submissions from 2 submitters: Uncertain significance (2). Last evaluated 2024-11-01.

Submissions (2):

Blueprint Genetics
Classification: Uncertain significance. Last evaluated: 2024-11-01. Review status: criteria provided, single submitter. Criteria: ACMG Guidelines, 2015. Collection method: clinical testing. Allele origin: germline.

Labcorp Genetics (formerly Invitae), Labcorp
Classification: Uncertain significance. Last evaluated: 2023-12-31. Review status: criteria provided, single submitter. Criteria: Invitae Variant Classification Sherloc (09022015). Collection method: clinical testing. Allele origin: germline.
Comment: This sequence change falls in intron 1 of the IMPG1 gene. It does not directly change the encoded amino acid sequence of the IMPG1 protein. It affects a nucleotide within the consensus splice site. This variant is present in population databases (rs764815413, gnomAD 0.006%). This variant has been observed in individual(s) with retinitis pigmentosa (Invitae). ClinVar contains an entry for this variant (Variation ID: 966262). Variants that disrupt the consensus splice site are a relatively common cause of aberrant splicing (PMID: 17576681, 9536098). Algorithms developed to predict the effect of sequence changes on RNA splicing suggest that this variant is not likely to affect RNA splicing. In summary, the available evidence is currently insufficient to determine the role of this variant in disease. Therefore, it has been classified as a Variant of Uncertain Significance.

Literature cited by the submitters: PubMed 17576681 (cited by Labcorp Genetics (formerly Invitae), Labcorp); PubMed 9536098 (cited by Labcorp Genetics (formerly Invitae), Labcorp).

NM_001563.4(IMPG1):c.68-9_68-6del

Gene: IMPG1 (interphotoreceptor matrix proteoglycan 1; minus strand). Cytogenetic location: 6q14.1.
Variant type: Microsatellite.
Coding change: c.68-9_68-6del on transcript NM_001563.4 (MANE Select); 9 bases into the intron before coding-DNA position 68 through 6 bases into the intron before coding-DNA position 68, 4 bases deleted (CTTT; older notation c.68-9_68-6delCTTT).
Molecular consequence: intron variant.
Genome position (GRCh38, 1-based): chr6:76,042,132-76,042,135, AAAG deleted on the plus strand (CTTT on the coding strand, the reverse complement: IMPG1 is on the minus strand); deleting any 4 consecutive bases within chr6:76,042,132-76,042,140 gives the same sequence; the c. name uses the placement nearest the transcript's 3' end. VCF-style (leftmost placement, unchanged base first): chr6-76042131-AAAAG-A. GRCh37 (hg19) VCF-style: chr6-76751848-AAAAG-A.
Other names: c.68-7348_68-7345del (NM_001282368.2).
Identifiers: ClinVar variation 966262 (VCV000966262.9), dbSNP rs764815413, ClinGen allele CA3898646.